The following is an entry in ClinVar:

ClinVar aggregate classification (germline): Uncertain significance (1 of 4 stars; one submission).

Allele frequency attached by ClinVar (database versions not stated): TOPMed 0.00001.
gnomAD v4.1: 1 of 1,567,852 alleles (0.000064%); highest among the groups gnomAD compares: Admixed American, 0.0019%; no homozygotes.

Submission:

Labcorp Genetics (formerly Invitae), Labcorp
Classification: Uncertain significance. Last evaluated: 2024-02-13. Review status: criteria provided, single submitter. Criteria: Invitae Variant Classification Sherloc (09022015). Collection method: clinical testing. Allele origin: germline.
Comment: This sequence change falls in intron 1 of the RPL19 gene. It does not directly change the encoded amino acid sequence of the RPL19 protein. It affects a nucleotide within the consensus splice site. The frequency data for this variant in the population databases is considered unreliable, as metrics indicate poor data quality at this position in the gnomAD database. This variant has not been reported in the literature in individuals affected with RPL19-related conditions. ClinVar contains an entry for this variant (Variation ID: 2419766). Variants that disrupt the consensus splice site are a relatively common cause of aberrant splicing (PMID: 17576681, 9536098). Algorithms developed to predict the effect of sequence changes on RNA splicing suggest that this variant is not likely to affect RNA splicing. In summary, the available evidence is currently insufficient to determine the role of this variant in disease. Therefore, it has been classified as a Variant of Uncertain Significance.

Literature cited by the submitters: PubMed 17576681; PubMed 9536098.

NM_000981.4(RPL19):c.5+6G>A

Gene: RPL19 (ribosomal protein L19; plus strand). Cytogenetic location: 17q12.
Variant type: single nucleotide variant.
Coding change: c.5+6G>A on transcript NM_000981.4 (MANE Select); 6 bases into the intron after coding-DNA position 5, G replaced by A.
Molecular consequence: intron variant. On other transcripts: 5 prime UTR variant (1).
Genome position (GRCh38, 1-based): chr17:39,200,355, G>A. VCF-style: chr17-39200355-G-A. GRCh37 (hg19) VCF-style: chr17-37356608-G-A.
Other names: c.-390G>A (NM_001330200.1).
Identifiers: ClinVar variation 2419766 (VCV002419766.6), dbSNP rs1388569921, ClinGen allele CA625923520.